The following is an entry in ClinVar:

ClinVar aggregate classification (germline): Uncertain significance. Review status: criteria provided, single submitter (1 of 4 stars). 2 submissions from 2 submitters: Uncertain significance (1). 1 of the submissions does not count toward it. Last evaluated 2024-12-11.

Conditions:
VPS13B-related disorder. Also called: VPS13B-related condition.
Cohen syndrome (COH1). Also called: PEPPER SYNDROME; Cutis verticis gyrata, retinitis pigmentosa, and sensorineural deafness. Identifiers: Orphanet 193, MedGen C0265223, MONDO:0008999, OMIM 216550.

Allele frequency attached by ClinVar (database versions not stated): gnomAD exomes below 0.00001 and 0.00001; ExAC 0.00001; gnomAD 0.00001; TOPMed 0.00001.
gnomAD v4.1: 5 of 1,613,644 alleles (0.00031%); highest among the groups gnomAD compares: Non-Finnish European, 0.00042%; no homozygotes.

Submissions (2):

Labcorp Genetics (formerly Invitae), Labcorp
Classification: Uncertain significance for Cohen syndrome. Last evaluated: 2024-12-11. Review status: criteria provided, single submitter. Criteria: Invitae Variant Classification Sherloc (09022015). Collection method: clinical testing. Allele origin: germline.
Comment: This sequence change replaces arginine, which is basic and polar, with serine, which is neutral and polar, at codon 3077 of the VPS13B protein (p.Arg3077Ser). This variant is present in population databases (rs747092413, gnomAD 0.0009%). This variant has not been reported in the literature in individuals affected with VPS13B-related conditions. ClinVar contains an entry for this variant (Variation ID: 1439262). Invitae Evidence Modeling of protein sequence and biophysical properties (such as structural, functional, and spatial information, amino acid conservation, physicochemical variation, residue mobility, and thermodynamic stability) indicates that this missense variant is not expected to disrupt VPS13B protein function with a negative predictive value of 80%. In summary, the available evidence is currently insufficient to determine the role of this variant in disease. Therefore, it has been classified as a Variant of Uncertain Significance.

PreventionGenetics, part of Exact Sciences
Classification: Uncertain significance for VPS13B-related condition. Last evaluated: 2024-01-17. Review status: no assertion criteria provided. Collection method: clinical testing. Allele origin: germline. Not counted in ClinVar's aggregate classification.
Comment: The VPS13B c.9156A>T variant is predicted to result in the amino acid substitution p.Arg3052Ser. To our knowledge, this variant has not been reported in the literature. This variant is reported in 0.00088% of alleles in individuals of European (Non-Finnish) descent in gnomAD. At this time, the clinical significance of this variant is uncertain due to the absence of conclusive functional and genetic evidence.

NM_152564.5(VPS13B):c.9156A>T (p.Arg3052Ser)

Gene: VPS13B (vacuolar protein sorting 13 homolog B; plus strand). Cytogenetic location: 8q22.2.
Variant type: single nucleotide variant.
Coding change: c.9156A>T on transcript NM_152564.5 (MANE Select); coding-DNA position 9156, A replaced by T.
Protein change: p.Arg3052Ser; replaces arginine 3052 with serine.
Molecular consequence: missense variant.
Genome position (GRCh38, 1-based): chr8:99,821,455, A>T. VCF-style: chr8-99821455-A-T. GRCh37 (hg19) VCF-style: chr8-100833683-A-T.
Other names: c.9231A>T, p.Arg3077Ser (NM_017890.5); c.9156A>T (NM_152564.4); short protein forms R3052S, R3077S.
Identifiers: ClinVar variation 1439262 (VCV001439262.8), dbSNP rs747092413, ClinGen allele CA4824625.